The following is an entry in ClinVar:

ClinVar aggregate classification (germline): Likely benign (1 of 4 stars; one submission).

Allele frequency attached by ClinVar (database versions not stated): ExAC 0.00006; gnomAD 0.00006.

Submission:

CeGaT Center for Human Genetics Tuebingen
Classification: Likely benign. Last evaluated: 2023-03-01. Review status: criteria provided, single submitter. Criteria: CeGaT Center For Human Genetics Tuebingen Variant Classification Criteria Version 2. Collection method: clinical testing. Allele origin: germline. Affected: yes. Observed: 1 variant allele.
Comment: KRTAP9-8: BP4, BP7

NM_031963.3(KRTAP9-8):c.228T>C (p.Cys76=)

Gene: KRTAP9-8 (keratin associated protein 9-8). Cytogenetic location: 17q21.2.
Variant type: single nucleotide variant.
Coding change: c.228T>C on transcript NM_031963.3 (MANE Select); coding-DNA position 228, T replaced by C.
Protein change: p.Cys76=; no amino-acid change (cysteine 76 retained).
Molecular consequence: synonymous variant.
Genome position (GRCh38, 1-based): chr17:41,238,279, T>C. VCF-style: chr17-41238279-T-C. GRCh37 (hg19) VCF-style: chr17-39394531-T-C.
Identifiers: ClinVar variation 2647764 (VCV002647764.24), dbSNP rs754657511, ClinGen allele CA8554933.